The following is an entry in ClinVar:

NM_000018.4(ACADVL):c.1605+6T>C

Gene: ACADVL (acyl-CoA dehydrogenase very long chain; plus strand). Cytogenetic location: 17p13.1.
Variant type: single nucleotide variant.
Coding change: c.1605+6T>C on transcript NM_000018.4 (MANE Select); 6 bases into the intron after coding-DNA position 1605, T replaced by C.
Molecular consequence: intron variant.
Genome position (GRCh38, 1-based): chr17:7,224,399, T>C. VCF-style: chr17-7224399-T-C. GRCh37 (hg19) VCF-style: chr17-7127718-T-C.
Other names: p.?; c.1674+6T>C (NM_001270447.2); c.1377+6T>C (NM_001270448.2); c.1539+6T>C (NM_001033859.3).
Identifiers: ClinVar variation 92277 (VCV000092277.45), dbSNP rs17671352, ClinGen allele CA274404.
Genomic context (GRCh38, chr17:7,224,399, plus strand): 5'-CGGCCTGAGTCTCAGCGGACTTGTCCACCCGGAGTTGAGTCGGAGTGGCGAGCTGGTAAG[T>C]GGCCAGGGGTCCAGGAGAGCCTGCATCAGGGACTGCAGCCGATGGCCCCTCTGAGCCCCG-3'

ClinVar aggregate classification (germline): Benign. Review status: reviewed by expert panel (3 of 4 stars). 17 submissions from 17 submitters: Benign (1). 16 of the submissions do not count toward it. Last evaluated 2023-06-27.

Conditions:
Very long chain acyl-CoA dehydrogenase deficiency (ACADVLD). Also called: VLCAD Deficiency; Very Long-Chain Acyl-Coenzyme A Dehydrogenase Deficiency. Identifiers: Orphanet 26793, MedGen C3887523, MONDO:0008723, OMIM 201475.

Allele frequency attached by ClinVar (database versions not stated): 1000 Genomes Project 30x 0.51921; 1000 Genomes Project 0.51977; TOPMed 0.55129; ESP Exome Variant Server 0.56175; gnomAD 0.56622 and 0.56848; gnomAD exomes 0.59827 and 0.61652; ExAC 0.60003.
gnomAD v4.1: 986,389 of 1,613,062 alleles (61%); highest among the groups gnomAD compares: Middle Eastern, 69%; 304,726 homozygotes.

Submissions (19):

ClinGen ACADVL Variant Curation Expert Panel, ClinGen
Classification: Benign for Very long chain acyl-CoA dehydrogenase deficiency. Last evaluated: 2023-06-27. Review status: reviewed by expert panel. Criteria: clingen acadvl acmg specifications v1. Collection method: curation. Allele origin: germline. Inheritance: Autosomal recessive inheritance.
Comment: The c.1605+6T>C variant in ACADVL is an intronic variant which occurs in intron 16. The highest population minor allele frequency in gnomAD v2.1.1 is 0.66 in European Finnish population, which is higher than the ClinGen ACADVL Variant Curation Expert Panel threshold (>=0.007) for BA1, and therefore meets this criterion (BA1). The results from in silico splicing predictors (SpliceAI) support that this variant does not affect splicing (BP4). In summary, this variant meets the criteria to be classified as benign for autosomal recessive very long chain acyl-CoA dehydrogenase (VLCAD) deficiency based on the ACMG/AMP criteria applied, as specified by the ClinGen ACADVL Variant Curation ExpertPanel: BA1, BP4.

Labcorp Genetics (formerly Invitae), Labcorp
Classification: Benign for Very long chain acyl-CoA dehydrogenase deficiency. Last evaluated: 2026-02-04. Review status: criteria provided, single submitter. Criteria: Invitae Variant Classification Sherloc (09022015). Collection method: clinical testing. Allele origin: germline. Not counted in ClinVar's aggregate classification.

Blueprint Genetics
Classification: Benign. Last evaluated: 2024-11-28. Review status: criteria provided, single submitter. Criteria: ACMG Guidelines, 2015. Collection method: clinical testing. Allele origin: germline. Not counted in ClinVar's aggregate classification.

Mayo Clinic Laboratories, Mayo Clinic
Classification: Benign. Last evaluated: 2023-01-20. Review status: criteria provided, single submitter. Criteria: ACMG Guidelines, 2015. Collection method: clinical testing. Allele origin: germline. Observed: 1,548 variant alleles. Not counted in ClinVar's aggregate classification.

ARUP Laboratories, Molecular Genetics and Genomics, ARUP Laboratories
Classification: Benign for Very long chain acyl-CoA dehydrogenase deficiency. Last evaluated: 2022-02-23. Review status: criteria provided, single submitter. Criteria: ARUP Molecular Germline Variant Investigation Process 2021. Collection method: clinical testing. Allele origin: germline. Not counted in ClinVar's aggregate classification.

Genome-Nilou Lab
Classification: Benign for Very long chain acyl-CoA dehydrogenase deficiency. Last evaluated: 2021-07-08. Review status: criteria provided, single submitter. Criteria: ACMG Guidelines, 2015. Collection method: clinical testing. Allele origin: germline. Affected: no. Not counted in ClinVar's aggregate classification.

Laboratory for Molecular Medicine, Mass General Brigham Personalized Medicine
Classification: Benign. Last evaluated: 2020-07-17. Review status: criteria provided, single submitter. Criteria: ACMG Guidelines, 2015. Collection method: clinical testing. Allele origin: germline. Not counted in ClinVar's aggregate classification.
Comment: The c.1605+6T>C variant in ACADVL is classified as benign because it has been identified in 59% (167006/280516) of the total chromosomes by gnomAD. ACMG/AMP Criteria applied: BA1.

Wong Mito Lab, Molecular and Human Genetics, Baylor College of Medicine
Classification: Benign for Very long chain acyl-CoA dehydrogenase deficiency. Last evaluated: 2019-11-01. Review status: criteria provided, single submitter. Criteria: ACMG Guidelines, 2015. Collection method: clinical testing. Allele origin: germline. Not counted in ClinVar's aggregate classification.
Comment: The NM_000018.3:c.1605+6T>C (NP_000009.1:p.?) [GRCH38: NC_000017.11:g.7224399T>C] variant in ACADVL gene is interpretated to be Benign based on ACMG guidelines (PMID: 25741868). This variant has been reported. This variant meets the following evidence codes reported in the ACMG guidelines: BS1, BS2

Eurofins Ntd Llc (ga)
Classification: Benign. Last evaluated: 2018-08-31. Review status: criteria provided, single submitter. Criteria: EGL ClinVar v180209 classification definitions. Collection method: clinical testing. Allele origin: germline. Observed: 135 variant alleles, 66 heterozygotes, 69 homozygotes. Not counted in ClinVar's aggregate classification.

Illumina Laboratory Services, Illumina
Classification: Benign for Very long chain acyl-CoA dehydrogenase deficiency. Last evaluated: 2018-01-13. Review status: criteria provided, single submitter. Criteria: ICSL Variant Classification Criteria 13 December 2019. Collection method: clinical testing. Allele origin: germline. Not counted in ClinVar's aggregate classification.
Comment: This variant was observed in the ICSL laboratory as part of a predisposition screen in an ostensibly healthy population. It had not been previously curated by ICSL or reported in the Human Gene Mutation Database (HGMD: prior to June 1st, 2018), and was therefore a candidate for classification through an automated scoring system. Utilizing variant allele frequency, disease prevalence and penetrance estimates, and inheritance mode, an automated score was calculated to assess if this variant is too frequent to cause the disease. Based on the score and internal cut-off values, a variant classified as benign is not then subjected to further curation. The score for this variant resulted in a classification of benign for this disease.

GeneDx
Classification: Benign. Last evaluated: 2013-07-25. Review status: criteria provided, single submitter. Criteria: GeneDx Variant Classification (06012015). Collection method: clinical testing. Allele origin: germline. Affected: yes. Not counted in ClinVar's aggregate classification.
Comment: This variant is considered likely benign or benign based on one or more of the following criteria: it is a conservative change, it occurs at a poorly conserved position in the protein, it is predicted to be benign by multiple in silico algorithms, and/or has population frequency not consistent with disease.

Breakthrough Genomics
Classification: Benign. Review status: criteria provided, single submitter. Criteria: ACMG Guidelines, 2015. Collection method: not provided. Allele origin: germline. Inheritance: Autosomal recessive inheritance. Affected: yes. Not counted in ClinVar's aggregate classification.

PreventionGenetics, part of Exact Sciences
Classification: Benign. Review status: criteria provided, single submitter. Criteria: ACMG Guidelines, 2015. Collection method: clinical testing. Allele origin: germline. Not counted in ClinVar's aggregate classification.

Natera, Inc.
Classification: Benign for Very long chain acyl-CoA dehydrogenase deficiency. Last evaluated: 2020-09-16. Review status: no assertion criteria provided. Collection method: clinical testing. Allele origin: germline. Not counted in ClinVar's aggregate classification.

Counsyl
Classification: Benign for Very long chain acyl-CoA dehydrogenase deficiency. Last evaluated: 2015-01-13. Review status: no assertion criteria provided. Collection method: literature only. Allele origin: unknown. Inheritance: Autosomal recessive inheritance. Not counted in ClinVar's aggregate classification.

Diagnostic Laboratory, Department of Genetics, University Medical Center Groningen
Classification: Benign. Review status: no assertion criteria provided. Collection method: clinical testing. Allele origin: germline. Affected: yes. Study: VKGL Data-share Consensus. Not counted in ClinVar's aggregate classification.

Dr. Peter K. Rogan Lab, Western University
No classification provided (evidence only). Condition: Familial cancer of breast. Review status: no classification provided. Collection method: in vitro. Allele origin: not applicable. Functional consequence: retained intron. Not counted in ClinVar's aggregate classification.

Dr. Peter K. Rogan Lab, Western University
No classification provided (evidence only). Condition: Familial cancer of breast. Review status: no classification provided. Collection method: in vitro. Allele origin: not applicable. Functional consequence: retained intron. Not counted in ClinVar's aggregate classification.

Joint Genome Diagnostic Labs from Nijmegen and Maastricht, Radboudumc and MUMC+
Classification: Benign. Review status: no assertion criteria provided. Collection method: clinical testing. Allele origin: germline. Affected: yes. Study: VKGL Data-share Consensus. Not counted in ClinVar's aggregate classification.

Literature cited by the submitters: PubMed 19208414 (cited by Counsyl).